The following is an entry in ClinVar:

NM_198252.3(GSN):c.1382A>G (p.Gln461Arg)

Gene: GSN (gelsolin; plus strand). Cytogenetic location: 9q33.2.
Variant type: single nucleotide variant.
Coding change: c.1382A>G on transcript NM_198252.3 (MANE Select); coding-DNA position 1382, A replaced by G.
Protein change: p.Gln461Arg; replaces glutamine 461 with arginine.
Molecular consequence: missense variant.
Genome position (GRCh38, 1-based): chr9:121,324,610, A>G. VCF-style: chr9-121324610-A-G. GRCh37 (hg19) VCF-style: chr9-124086888-A-G.
Other names: c.1535A>G, p.Gln512Arg (NM_000177.5); c.1382A>G, p.Gln461Arg (NM_001127662.2, NM_001127664.2, NM_001127665.2 and 10 more transcripts); c.1490A>G, p.Gln497Arg (NM_001127663.2); c.1415A>G, p.Gln472Arg (NM_001127666.2, NM_001127667.2, NM_001353063.2 and 13 more transcripts); c.1433A>G, p.Gln478Arg (NM_001258029.2); c.1406A>G, p.Gln469Arg (NM_001258030.2); c.1454A>G, p.Gln485Arg (NM_001353076.2); c.728A>G, p.Gln243Arg (NM_001353078.2); short protein forms Q243R, Q469R, Q485R, Q478R, Q512R, Q461R, Q472R, Q497R.
Identifiers: ClinVar variation 1372678 (VCV001372678.6), dbSNP rs1242355446, ClinGen allele CA374752252.

ClinVar aggregate classification (germline): Uncertain significance (1 of 4 stars; one submission).

Allele frequency attached by ClinVar (database versions not stated): TOPMed below 0.00001; gnomAD 0.00001; gnomAD exomes 0.00003.
gnomAD v4.1: 36 of 1,545,074 alleles (0.0023%); highest among the groups gnomAD compares: Non-Finnish European, 0.0031%; no homozygotes.

Submission:

Labcorp Genetics (formerly Invitae), Labcorp
Classification: Uncertain significance. Last evaluated: 2024-01-09. Review status: criteria provided, single submitter. Criteria: Invitae Variant Classification Sherloc (09022015). Collection method: clinical testing. Allele origin: germline.
Comment: This sequence change replaces glutamine, which is neutral and polar, with arginine, which is basic and polar, at codon 512 of the GSN protein (p.Gln512Arg). This variant is present in population databases (no rsID available, gnomAD 0.007%). This variant has not been reported in the literature in individuals affected with GSN-related conditions. ClinVar contains an entry for this variant (Variation ID: 1372678). Advanced modeling of protein sequence and biophysical properties (such as structural, functional, and spatial information, amino acid conservation, physicochemical variation, residue mobility, and thermodynamic stability) performed at Invitae indicates that this missense variant is not expected to disrupt GSN protein function with a negative predictive value of 80%. In summary, the available evidence is currently insufficient to determine the role of this variant in disease. Therefore, it has been classified as a Variant of Uncertain Significance.